The following is an entry in ClinVar:

ClinVar aggregate classification (germline): Pathogenic (1 of 4 stars; one submission).

Conditions:
Pigmentary pallidal degeneration (NBIA1). Also called: HARP SYNDROME; Pantothenate Kinase-Associated Neurodegeneration; Neuroaxonal dystrophy, late infantile; Hallervorden-Spatz disease; PKAN NEUROAXONAL DYSTROPHY, JUVENILE-ONSET; Neurodegeneration with brain iron accumulation 1. Identifiers: Orphanet 157850, MedGen C0018523, MONDO:0009319, OMIM 234200.

Allele frequency attached by ClinVar (database versions not stated): gnomAD exomes below 0.00001; TOPMed below 0.00001; gnomAD 0.00001.
gnomAD v4.1: 2 of 1,614,104 alleles (0.00012%); highest among the groups gnomAD compares: South Asian, 0.0022%; no homozygotes.

Submission:

Labcorp Genetics (formerly Invitae), Labcorp
Classification: Pathogenic for Pigmentary pallidal degeneration. Last evaluated: 2025-06-20. Review status: criteria provided, single submitter. Criteria: Invitae Variant Classification Sherloc (09022015). Collection method: clinical testing. Allele origin: germline.
Comment: This sequence change creates a premature translational stop signal (p.Leu567*) in the PANK2 gene. While this is not anticipated to result in nonsense mediated decay, it is expected to disrupt the last 4 amino acid(s) of the PANK2 protein. This variant is not present in population databases (gnomAD no frequency). This premature translational stop signal has been observed in individual(s) with clinical features of PANK2-related conditions (PMID: 36790591, 38506547). In at least one individual the data is consistent with being in trans (on the opposite chromosome) from a pathogenic variant. ClinVar contains an entry for this variant (Variation ID: 1933981). This variant disrupts a region of the PANK2 protein in which other variant(s) (p.Pro570Leu) have been observed in individuals with PANK2-related conditions (PMID: 20629144). This suggests that this is a clinically significant region of the protein, and that variants that disrupt it are likely to be disease-causing. For these reasons, this variant has been classified as Pathogenic.

Literature cited by the submitters: PubMed 36790591; PubMed 38506547; PubMed 20629144.

NM_001386393.1(PANK2):c.1370T>A (p.Leu457Ter)

Gene: PANK2 (pantothenate kinase 2; plus strand). Cytogenetic location: 20p13.
Variant type: single nucleotide variant.
Coding change: c.1370T>A on transcript NM_001386393.1 (MANE Select); coding-DNA position 1370, T replaced by A.
Protein change: p.Leu457Ter; replaces leucine 457 with a stop codon.
Molecular consequence: nonsense. On other transcripts: non-coding transcript variant (1).
Genome position (GRCh38, 1-based): chr20:3,923,281, T>A. VCF-style: chr20-3923281-T-A. GRCh37 (hg19) VCF-style: chr20-3903928-T-A.
Other names: c.827T>A, p.Leu276Ter (NM_001324191.2, NM_024960.6, NM_153640.4); c.392T>A, p.Leu131Ter (NM_001324193.2); c.1700T>A, p.Leu567Ter (NM_153638.4); short protein forms L567*, L131*, L276*, L457*.
Identifiers: ClinVar variation 1933981 (VCV001933981.3), dbSNP rs1387875174, ClinGen allele CA408122925.